The following is an entry in ClinVar:

ClinVar aggregate classification (germline): Uncertain significance. Review status: criteria provided, multiple submitters, no conflicts (2 of 4 stars). 3 submissions from 3 submitters: Uncertain significance (2). 1 of the submissions does not count toward it. Last evaluated 2024-01-22.

Conditions:
Meckel syndrome, type 1 (MKS1). Also called: MECKEL-GRUBER SYNDROME, TYPE 1. Identifiers: Orphanet 564, MedGen C3714506, MONDO:0009571, OMIM 249000.
Bardet-Biedl syndrome 13 (BBS13). Identifiers: Orphanet 110, MedGen C2673873, MONDO:0014441, OMIM 615990.
Joubert syndrome 28 (JBTS28). Identifiers: MedGen C4310705, MONDO:0014928, OMIM 617121.
Joubert syndrome. Also called: Familial aplasia of the vermis; CEREBELLOPARENCHYMAL DISORDER IV; JOUBERT-BOLTSHAUSER SYNDROME. Identifiers: Orphanet 475, MedGen C5979921, MONDO:0018772.
Meckel-Gruber syndrome. Also called: Dysencephalia splachnocystica; DYSENCEPHALIA SPLANCHNOCYSTICA; GRUBER SYNDROME. Identifiers: Orphanet 564, MedGen C0265215, MONDO:0018921.

Allele frequency attached by ClinVar (database versions not stated): gnomAD exomes below 0.00001; gnomAD 0.00001; TOPMed 0.00001.
gnomAD v4.1: 2 of 1,614,232 alleles (0.00012%); highest among the groups gnomAD compares: Middle Eastern, 0.016%; no homozygotes.

Submissions (3):

Fulgent Genetics
Classification: Uncertain significance for Meckel syndrome, type 1; Bardet-Biedl syndrome 13; Joubert syndrome 28. Last evaluated: 2024-01-22. Review status: criteria provided, single submitter. Criteria: ACMG Guidelines, 2015. Collection method: clinical testing. Allele origin: germline.

Labcorp Genetics (formerly Invitae), Labcorp
Classification: Uncertain significance for Joubert syndrome; Meckel-Gruber syndrome. Last evaluated: 2021-09-21. Review status: criteria provided, single submitter. Criteria: Invitae Variant Classification Sherloc (09022015). Collection method: clinical testing. Allele origin: germline.
Comment: This sequence change replaces valine with methionine at codon 77 of the MKS1 protein (p.Val77Met). The valine residue is moderately conserved and there is a small physicochemical difference between valine and methionine. This variant is not present in population databases (ExAC no frequency). This variant has not been reported in the literature in individuals affected with MKS1-related conditions. Algorithms developed to predict the effect of missense changes on protein structure and function are either unavailable or do not agree on the potential impact of this missense change (SIFT: "Deleterious"; PolyPhen-2: "Possibly Damaging"; Align-GVGD: "Class C0"). In summary, the available evidence is currently insufficient to determine the role of this variant in disease. Therefore, it has been classified as a Variant of Uncertain Significance.

Natera, Inc.
Classification: Uncertain significance for Meckel syndrome type 1. Last evaluated: 2020-11-16. Review status: no assertion criteria provided. Collection method: clinical testing. Allele origin: germline. Not counted in ClinVar's aggregate classification.

NM_017777.4(MKS1):c.229G>A (p.Val77Met)

Gene: MKS1 (MKS transition zone complex subunit 1; minus strand). Cytogenetic location: 17q22.
Variant type: single nucleotide variant.
Coding change: c.229G>A on transcript NM_017777.4 (MANE Select); coding-DNA position 229, G replaced by A.
Protein change: p.Val77Met; replaces valine 77 with methionine.
Molecular consequence: missense variant. On other transcripts: 5 prime UTR variant (1).
Genome position (GRCh38, 1-based): chr17:58,216,698, C>T on the plus strand (G>A on the coding strand, the complement: MKS1 is on the minus strand). VCF-style: chr17-58216698-C-T. GRCh37 (hg19) VCF-style: chr17-56294059-C-T.
Other names: c.-283G>A (NM_001321268.2); c.229G>A, p.Val77Met (NM_001321269.2, NM_001330397.2); short protein forms V77M.
Identifiers: ClinVar variation 1023844 (VCV001023844.6), dbSNP rs1198645467, ClinGen allele CA400327760.
Genomic context (GRCh38, chr17:58,216,698, plus strand): 5'-ACAGAGAAGACAAGAGACACTGGCTCACCTGGCTAAAGAGCTTCTCCTGCCACCCAATCA[C>T]AATCTCCTCCTCTTCGTCTTCCTCTGGGCGGTGTCCACCTCCAAAGACAACAGAGTGAAT-3'
Protein context (NP_060247.2, residues 67-87): RPEEDEEEEI[Val77Met]IGWQEKLFSQ